The following is an entry in ClinVar:

NM_001012339.3(DNAJC21):c.983C>T (p.Ala328Val)

Gene: DNAJC21 (DnaJ heat shock protein family (Hsp40) member C21; plus strand). Cytogenetic location: 5p13.2.
Variant type: single nucleotide variant.
Coding change: c.983C>T on transcript NM_001012339.3 (MANE Select); coding-DNA position 983, C replaced by T.
Protein change: p.Ala328Val; replaces alanine 328 with valine.
Molecular consequence: missense variant.
Genome position (GRCh38, 1-based): chr5:34,941,183, C>T. VCF-style: chr5-34941183-C-T. GRCh37 (hg19) VCF-style: chr5-34941288-C-T.
Other names: c.983C>T, p.Ala328Val (NM_001348420.2, NM_194283.4); short protein forms A328V.
Identifiers: ClinVar variation 1427772 (VCV001427772.6), dbSNP rs561936948, ClinGen allele CA3228644.

ClinVar aggregate classification (germline): Uncertain significance (1 of 4 stars; one submission).

Allele frequency attached by ClinVar (database versions not stated): gnomAD 0.00001 and 0.00002; ExAC 0.00002; gnomAD exomes 0.00002; 1000 Genomes Project 30x 0.00016; 1000 Genomes Project 0.00020.
gnomAD v4.1: 27 of 1,613,208 alleles (0.0017%); highest among the groups gnomAD compares: East Asian, 0.0067%; no homozygotes.

Submission:

Labcorp Genetics (formerly Invitae), Labcorp
Classification: Uncertain significance. Last evaluated: 2022-02-03. Review status: criteria provided, single submitter. Criteria: Invitae Variant Classification Sherloc (09022015). Collection method: clinical testing. Allele origin: germline.
Comment: In summary, the available evidence is currently insufficient to determine the role of this variant in disease. Therefore, it has been classified as a Variant of Uncertain Significance. Algorithms developed to predict the effect of sequence changes on RNA splicing suggest that this variant may create or strengthen a splice site. Algorithms developed to predict the effect of missense changes on protein structure and function are either unavailable or do not agree on the potential impact of this missense change (SIFT: "Tolerated"; PolyPhen-2: "Probably Damaging"; Align-GVGD: "Class C0"). This variant has not been reported in the literature in individuals affected with DNAJC21-related conditions. This variant is present in population databases (rs561936948, gnomAD 0.01%). This sequence change replaces alanine, which is neutral and non-polar, with valine, which is neutral and non-polar, at codon 328 of the DNAJC21 protein (p.Ala328Val).